The following is an entry in ClinVar:

ClinVar aggregate classification (germline): Likely benign. Review status: criteria provided, multiple submitters, no conflicts (2 of 4 stars). 4 submissions from 4 submitters: Likely benign (3). 1 of the submissions does not count toward it. Last evaluated 2025-11-27.

Conditions:
LARGE1-related disorder. Also called: LARGE1-related condition.
Muscular dystrophy-dystroglycanopathy type B6 (MDDGB6). Also called: MUSCULAR DYSTROPHY, CONGENITAL, LARGE-RELATED; MUSCULAR DYSTROPHY, CONGENITAL, TYPE 1D; MUSCULAR DYSTROPHY-DYSTROGLYCANOPATHY (CONGENITAL WITH IMPAIRED INTELLECTUAL DEVELOPMENT), TYPE B, 6. Identifiers: MedGen C1837229, MONDO:0012138, OMIM 608840.

Allele frequency attached by ClinVar (database versions not stated): ESP Exome Variant Server 0.00008; gnomAD 0.00015 and 0.00017; TOPMed 0.00020.
gnomAD v4.1: 150 of 1,614,254 alleles (0.0093%); highest among the groups gnomAD compares: African/African-American, 0.072%; no homozygotes.

Submissions (4):

Labcorp Genetics (formerly Invitae), Labcorp
Classification: Likely benign for Muscular dystrophy-dystroglycanopathy type B6. Last evaluated: 2025-11-27. Review status: criteria provided, single submitter. Criteria: Invitae Variant Classification Sherloc (09022015). Collection method: clinical testing. Allele origin: germline.

Blueprint Genetics
Classification: Likely benign. Last evaluated: 2023-09-07. Review status: criteria provided, single submitter. Criteria: ACMG Guidelines, 2015. Collection method: clinical testing. Allele origin: germline.

GeneDx
Classification: Likely benign. Last evaluated: 2016-06-17. Review status: criteria provided, single submitter. Criteria: GeneDx Variant Classification (06012015). Collection method: clinical testing. Allele origin: germline. Affected: yes.
Comment: This variant is considered likely benign or benign based on one or more of the following criteria: it is a conservative change, it occurs at a poorly conserved position in the protein, it is predicted to be benign by multiple in silico algorithms, and/or has population frequency not consistent with disease.

PreventionGenetics, part of Exact Sciences
Classification: Likely benign for LARGE1-related condition. Last evaluated: 2019-07-01. Review status: no assertion criteria provided. Collection method: clinical testing. Allele origin: germline. Not counted in ClinVar's aggregate classification.
Comment: This variant is classified as likely benign based on ACMG/AMP sequence variant interpretation guidelines (Richards et al. 2015 PMID: 25741868, with internal and published modifications).

NM_133642.5(LARGE1):c.2004G>A (p.Pro668=)

Gene: LARGE1 (LARGE xylosyl- and glucuronyltransferase 1; minus strand). Cytogenetic location: 22q12.3.
Variant type: single nucleotide variant.
Coding change: c.2004G>A on transcript NM_133642.5 (MANE Select); coding-DNA position 2004, G replaced by A.
Protein change: p.Pro668=; no amino-acid change (proline 668 retained).
Molecular consequence: synonymous variant.
Genome position (GRCh38, 1-based): chr22:33,277,129, C>T on the plus strand (G>A on the coding strand, the complement: LARGE1 is on the minus strand). VCF-style: chr22-33277129-C-T. GRCh37 (hg19) VCF-style: chr22-33673115-C-T.
Other names: c.2004G>A (NM_004737.5); c.2004G>A, p.Pro668= (NM_001362949.2, NM_001362951.2, NM_001362953.2 and 4 more transcripts); c.1857G>A, p.Pro619= (NM_001378627.1, NM_001378628.1); c.1848G>A, p.Pro616= (NM_001378629.1); c.1401G>A, p.Pro467= (NM_001378630.1); c.1098G>A, p.Pro366= (NM_001378631.1).
Identifiers: ClinVar variation 386898 (VCV000386898.12), dbSNP rs368231947, ClinGen allele CA10202592.